The following is an entry in ClinVar:

NM_005862.3(STAG1):c.2830A>G (p.Arg944Gly)

Gene: STAG1 (STAG1 cohesin complex component; minus strand). Cytogenetic location: 3q22.3.
Variant type: single nucleotide variant.
Coding change: c.2830A>G on transcript NM_005862.3 (MANE Select); coding-DNA position 2830, A replaced by G.
Protein change: p.Arg944Gly; replaces arginine 944 with glycine.
Molecular consequence: missense variant.
Genome position (GRCh38, 1-based): chr3:136,359,254, T>C on the plus strand (A>G on the coding strand, the complement: STAG1 is on the minus strand). VCF-style: chr3-136359254-T-C. GRCh37 (hg19) VCF-style: chr3-136078096-T-C.
Other names: short protein forms R944G.
Identifiers: ClinVar variation 2734995 (VCV002734995.3), dbSNP rs2530083693, ClinGen allele CA354645486.
Genomic context (GRCh38, chr3:136,359,254, plus strand): 5'-CAAATGTAAGGGCAAAGCGACGTGCCAGTTCTTTAATGCCACTGACATGGGCAGATGTCC[T>C]ATCTAGGTTGGGACCTTGCTCTTGAACAAGTTCATTAAATAACTGATAGAAAGAAAAAAA-3'
Protein context (NP_005853.2, residues 934-954): LVQEQGPNLD[Arg944Gly]TSAHVSGIKE

ClinVar aggregate classification (germline): Uncertain significance (1 of 4 stars; one submission).

Allele frequency attached by ClinVar (database versions not stated): gnomAD exomes below 0.00001.
gnomAD v4.1: 2 of 1,612,488 alleles (0.00012%); highest among the groups gnomAD compares: Non-Finnish European, 0.00017%; no homozygotes.

Submission:

Labcorp Genetics (formerly Invitae), Labcorp
Classification: Uncertain significance. Last evaluated: 2023-09-27. Review status: criteria provided, single submitter. Criteria: Invitae Variant Classification Sherloc (09022015). Collection method: clinical testing. Allele origin: germline.
Comment: In summary, the available evidence is currently insufficient to determine the role of this variant in disease. Therefore, it has been classified as a Variant of Uncertain Significance. Advanced modeling of protein sequence and biophysical properties (such as structural, functional, and spatial information, amino acid conservation, physicochemical variation, residue mobility, and thermodynamic stability) performed at Invitae indicates that this missense variant is not expected to disrupt STAG1 protein function. This variant has not been reported in the literature in individuals affected with STAG1-related conditions. This variant is not present in population databases (gnomAD no frequency). This sequence change replaces arginine, which is basic and polar, with glycine, which is neutral and non-polar, at codon 944 of the STAG1 protein (p.Arg944Gly).